The following is an entry in ClinVar:

NM_001379500.1(COL18A1):c.2819C>G (p.Pro940Arg)

Genes: COL18A1 (collagen type XVIII alpha 1 chain; plus strand), SLC19A1 (solute carrier family 19 member 1; minus strand). Cytogenetic location: 21q22.3.
Variant type: single nucleotide variant.
Coding change: c.2819C>G on transcript NM_001379500.1 (MANE Select); coding-DNA position 2819, C replaced by G.
Protein change: p.Pro940Arg; replaces proline 940 with arginine.
Molecular consequence: missense variant.
Genome position (GRCh38, 1-based): chr21:45,504,507, C>G. VCF-style: chr21-45504507-C-G. GRCh37 (hg19) VCF-style: chr21-46924421-C-G.
Other names: c.3359C>G, p.Pro1120Arg (NM_030582.4); c.4064C>G, p.Pro1355Arg (NM_130444.3); short protein forms P1120R, P1355R, P940R.
Identifiers: ClinVar variation 1001448 (VCV001001448.7), dbSNP rs531174886, ClinGen allele CA10067488.
Genomic context (GRCh38, chr21:45,504,507, plus strand): 5'-AGAAAGGCGAAAGGGGGGAGCCCGGGGGCGGCGGTTTCTTCGGCTCCAGCCTGCCCGGCC[C>G]CCCCGGCCCCCCAGGCCCCCCAGGCCCACGTGGCTACCCTGGGATTCCAGTAAGTCCCAG-3'
Protein context (NP_001366429.1, residues 930-950): GGFFGSSLPG[Pro940Arg]PGPPGPPGPR

ClinVar aggregate classification (germline): Uncertain significance. Review status: criteria provided, multiple submitters, no conflicts (2 of 4 stars). 2 submissions from 2 submitters: Uncertain significance (2). Last evaluated 2025-10-29.

Allele frequency attached by ClinVar (database versions not stated): 1000 Genomes Project 0.00020; TOPMed 0.00085.

Submissions (2):

Women's Health and Genetics/Laboratory Corporation of America, LabCorp
Classification: Uncertain significance. Last evaluated: 2025-10-29. Review status: criteria provided, single submitter. Criteria: LabCorp Variant Classification Summary - May 2015. Collection method: clinical testing. Allele origin: germline.
Comment: Variant summary: COL18A1 c.2819C>G (p.Pro940Arg) results in a non-conservative amino acid change in the encoded protein sequence. Algorithms developed to predict the effect of missense changes on protein structure and function are either unavailable or do not agree on the potential impact of this missense change. The frequency data for this variant in gnomAD is considered unreliable, as metrics indicate poor data quality at this position. To our knowledge, no occurrence of c.2819C>G in individuals affected with COL18A1-related conditions and no experimental evidence demonstrating its impact on protein function have been reported. ClinVar contains an entry for this variant (Variation ID: 1001448). Based on the evidence outlined above, the variant was classified as uncertain significance.

Labcorp Genetics (formerly Invitae), Labcorp
Classification: Uncertain significance. Last evaluated: 2025-01-27. Review status: criteria provided, single submitter. Criteria: Invitae Variant Classification Sherloc (09022015). Collection method: clinical testing. Allele origin: germline.
Comment: This sequence change replaces proline, which is neutral and non-polar, with arginine, which is basic and polar, at codon 940 of the COL18A1 protein (p.Pro940Arg). The frequency data for this variant in the population databases is considered unreliable, as metrics indicate poor data quality at this position in the gnomAD database. This variant has not been reported in the literature in individuals affected with COL18A1-related conditions. ClinVar contains an entry for this variant (Variation ID: 1001448). Experimental studies and prediction algorithms are not available or were not evaluated, and the functional significance of this variant is currently unknown. In summary, the available evidence is currently insufficient to determine the role of this variant in disease. Therefore, it has been classified as a Variant of Uncertain Significance.